The following is an entry in ClinVar:

ClinVar aggregate classification (germline): Likely pathogenic (1 of 4 stars; one submission).

Conditions:
Duchenne muscular dystrophy (DMD). Also called: MUSCULAR DYSTROPHY, PSEUDOHYPERTROPHIC PROGRESSIVE, DUCHENNE TYPE; Duchenne Muscular Dystrophy (DMD). Identifiers: Orphanet 98896, MedGen C0013264, MONDO:0010679, OMIM 310200.

Submission:

Labcorp Genetics (formerly Invitae), Labcorp
Classification: Likely pathogenic for Duchenne muscular dystrophy. Last evaluated: 2026-01-12. Review status: criteria provided, single submitter. Criteria: Invitae Variant Classification Sherloc (09022015). Collection method: clinical testing. Allele origin: germline.
Comment: This sequence change affects a donor splice site in intron 57 of the DMD gene. It is expected to disrupt RNA splicing. Variants that disrupt the donor or acceptor splice site typically lead to a loss of protein function (PMID: 16199547), and loss-of-function variants in DMD are known to be pathogenic (PMID: 16770791, 25007885). This variant is not present in population databases (gnomAD no frequency). This variant has not been reported in the literature in individuals affected with DMD-related conditions. Algorithms developed to predict the effect of sequence changes on RNA splicing suggest that this variant may disrupt the consensus splice site. In summary, the currently available evidence indicates that the variant is pathogenic, but additional data are needed to prove that conclusively. Therefore, this variant has been classified as Likely Pathogenic.

Literature cited by the submitters: PubMed 16199547; PubMed 16770791; PubMed 25007885.

NM_004006.3(DMD):c.8547+2T>C

Gene: DMD (dystrophin; minus strand). Cytogenetic location: Xp21.2.
Variant type: single nucleotide variant.
Coding change: c.8547+2T>C on transcript NM_004006.3 (MANE Select); the canonical splice donor site of the intron after coding-DNA position 8547, T replaced by C.
Molecular consequence: splice donor variant.
Genome position (GRCh38, 1-based): chrX:31,496,786, A>G on the plus strand (T>C on the coding strand, the complement: DMD is on the minus strand). VCF-style: chrX-31496786-A-G. GRCh37 (hg19) VCF-style: chrX-31514903-A-G.
Other names: c.8523+2T>C (NM_000109.4); c.4524+2T>C (NM_004011.4); c.4515+2T>C (NM_004012.4); c.1167+2T>C (NM_004023.3, NM_004020.4, NM_004022.3 and 2 more transcripts); c.360+2T>C (NM_004014.3); c.8535+2T>C (NM_004009.3); c.8178+2T>C (NM_004010.3).
Identifiers: ClinVar variation 4734645 (VCV004734645.1).